The following is an entry in ClinVar:

NM_181486.4(TBX5):c.268A>C (p.Lys90Gln)

Gene: TBX5 (T-box transcription factor 5; minus strand). Cytogenetic location: 12q24.21.
Variant type: single nucleotide variant.
Coding change: c.268A>C on transcript NM_181486.4 (MANE Select); coding-DNA position 268, A replaced by C.
Protein change: p.Lys90Gln; replaces lysine 90 with glutamine.
Molecular consequence: missense variant.
Genome position (GRCh38, 1-based): chr12:114,399,607, T>G on the plus strand (A>C on the coding strand, the complement: TBX5 is on the minus strand). VCF-style: chr12-114399607-T-G. GRCh37 (hg19) VCF-style: chr12-114837412-T-G.
Other names: c.268A>C, p.Lys90Gln (NM_000192.3); c.118A>C, p.Lys40Gln (NM_080717.4); short protein forms K40Q, K90Q.
Identifiers: ClinVar variation 4879797 (VCV004879797.1).

ClinVar aggregate classification (germline): Uncertain significance (1 of 4 stars; one submission).

Conditions:
Holt-Oram syndrome (HOS). Also called: Ventriculo-radial syndrome; Cardiac-limb syndrome; Heart-hand syndrome, type 1; TBX5-Related Holt-Oram Syndrome. Identifiers: Orphanet 392, MedGen C0265264, MONDO:0007732, OMIM 142900.

Submission:

Victorian Clinical Genetics Services, Murdoch Childrens Research Institute
Classification: Uncertain significance for Holt-Oram syndrome. Last evaluated: 2026-04-14. Review status: criteria provided, single submitter. Criteria: ACMG Guidelines, 2015. Collection method: clinical testing. Allele origin: germline. Affected: yes.
Comment: This variant is classified as VUS-3A. Evidence in support of pathogenic classification: Variant is absent from gnomAD (v2, v3 and v4); Missense variant predicted to be damaging by in silico tool(s) or highly conserved with a major amino acid change. Additional information: Variant is predicted to result in a missense amino acid change from Lys to Gln; This variant is heterozygous; This gene is associated with autosomal dominant disease; Alternative amino acid change(s) at the same position are present in gnomAD (highest allele count: v4: 3 heterozygote(s), 0 homozygote(s)); This variant has no previous evidence of pathogenicity; No published evidence of segregation with disease has been identified for this variant; No published functional evidence has been identified for this variant; Another missense variant(s) comparable to the one identified in this case has inconclusive previous evidence for pathogenicity. p.(Lys90Arg) has been classified as a VUS by a clinical laboratory in ClinVar; Variant is located in the annotated T-box domain (DECIPHER); Loss of function and gain of function are known mechanisms of disease in this gene and are associated with Holt-Oram syndrome (MIM#142900). Variants resulting in a premature termination codon have a loss of function effect, whilst both loss of function and gain of function have been demonstrated by missense variants (PMID: 18451335). Dominant negative has also been suggested as a mechanism for variants associated with severe congenital heart disease that are predicted to result in a protein extension (PMID: 30552424); The condition associated with this gene has incomplete penetrance (PMID: 30552424); Inheritance information for this variant is not currently available in this individual.

Literature cited by the submitters: PubMed 18451335; PubMed 30552424.